The following is an entry in ClinVar:

NM_001267550.2(TTN):c.39428dup (p.Val13144fs)

Gene: TTN (titin; minus strand). Cytogenetic location: 2q31.2.
Variant type: Duplication.
Coding change: c.39428dup on transcript NM_001267550.2 (MANE Select); coding-DNA position 39428, one base duplicated (T; older notation c.39428dupT).
Protein change: p.Val13144fs; shifts the reading frame from valine 13144.
Molecular consequence: frameshift variant. On other transcripts: intron variant (3).
Genome position (GRCh38, 1-based): chr2:178,651,701, A duplicated on the plus strand (T on the coding strand, the reverse complement: TTN is on the minus strand). VCF-style (leftmost placement, unchanged base first): chr2-178651700-G-GA. GRCh37 (hg19) VCF-style: chr2-179516427-G-GA.
Other names: c.34907dup, p.Val11637fs (NM_001256850.1); c.32126dup, p.Val10710fs (NM_133378.4); c.13283-9384dup (NM_003319.4); c.13859-9384dup (NM_133437.4); c.13658-9384dup (NM_133432.3); short protein forms V10710fs, V11637fs, V13144fs.
Identifiers: ClinVar variation 3753484 (VCV003753484.2).

ClinVar aggregate classification (germline): Likely pathogenic (1 of 4 stars; one submission).

Conditions:
Autosomal recessive limb-girdle muscular dystrophy type 2J (LGMDR10). Also called: Limb-girdle muscular dystrophy, type 2J; MUSCULAR DYSTROPHY, LIMB-GIRDLE, AUTOSOMAL RECESSIVE 10. Identifiers: Orphanet 140922, MedGen C1837342, MONDO:0012127, OMIM 608807.
Dilated cardiomyopathy 1G (CMD1G). Identifiers: Orphanet 154, MedGen C1858763, MONDO:0011400, OMIM 604145.

Submission:

Labcorp Genetics (formerly Invitae), Labcorp
Classification: Likely pathogenic for Dilated cardiomyopathy 1G; Autosomal recessive limb-girdle muscular dystrophy type 2J. Last evaluated: 2024-01-16. Review status: criteria provided, single submitter. Criteria: Invitae Variant Classification Sherloc (09022015). Collection method: clinical testing. Allele origin: germline.
Comment: This sequence change creates a premature translational stop signal (p.Val13144Argfs*6) in the TTN gene. While this is not anticipated to result in nonsense mediated decay, it is expected to create a truncated TTN protein. This variant is not present in population databases (gnomAD no frequency). This variant has not been reported in the literature in individuals affected with TTN-related conditions. This variant is located in the I band of TTN (PMID: 25589632). Truncating variants in this region have been reported in individuals affected with autosomal recessive centronuclear myopathy (PMID: 23975875, Invitae internal data). Truncating variants in this region have also been identified in individuals affected with autosomal dominant dilated cardiomyopathy and/or cardio-related conditions (PMID: 27869827, 32964742, Invitae internal data). In summary, the currently available evidence indicates that the variant is pathogenic, but additional data are needed to prove that conclusively. Therefore, this variant has been classified as Likely Pathogenic.

Literature cited by the submitters: PubMed 25589632; PubMed 23975875; PubMed 27869827; PubMed 32964742.